The following is an entry in ClinVar:

ClinVar aggregate classification (germline): Uncertain significance (1 of 4 stars; one submission).

Submission:

Labcorp Genetics (formerly Invitae), Labcorp
Classification: Uncertain significance. Last evaluated: 2021-03-17. Review status: criteria provided, single submitter. Criteria: Invitae Variant Classification Sherloc (09022015). Collection method: clinical testing. Allele origin: germline.
Comment: In summary, the available evidence is currently insufficient to determine the role of this variant in disease. Therefore, it has been classified as a Variant of Uncertain Significance. This variant has not been reported in the literature in individuals with RORB-related conditions. This variant is not present in population databases (ExAC no frequency). This sequence change creates a premature translational stop signal (p.Lys431Serfs*7) in the RORB gene. While this is not anticipated to result in nonsense mediated decay, it is expected to disrupt the last 29 amino acid(s) of the RORB protein.

NM_006914.4(RORB):c.1292del (p.Lys431fs)

Genes: RORB (RAR related orphan receptor B; plus strand), LOC124310566 (Sharpr-MPRA regulatory region 9792; plus strand). Cytogenetic location: 9q21.13.
Variant type: Deletion.
Coding change: c.1292del on transcript NM_006914.4 (MANE Select); coding-DNA position 1292, one base deleted (A; older notation c.1292delA).
Protein change: p.Lys431fs; shifts the reading frame from lysine 431.
Molecular consequence: frameshift variant.
Genome position (GRCh38, 1-based): chr9:74,685,530, A deleted; the last of 2 consecutive A bases (chr9:74,685,529-74,685,530); deleting either gives the same sequence. VCF-style (leftmost placement, unchanged base first): chr9-74685528-TA-T. GRCh37 (hg19) VCF-style: chr9-77300444-TA-T.
Other names: c.1325del, p.Lys442fs (NM_001365023.1); short protein forms K431fs, K442fs.
Identifiers: ClinVar variation 1517274 (VCV001517274.8), dbSNP rs2118583529, ClinGen allele CA2573144692.